The following is an entry in ClinVar:

ClinVar aggregate classification (germline): Uncertain significance (1 of 4 stars; one submission).

Conditions:
Hereditary cancer-predisposing syndrome. Also called: Neoplastic Syndromes, Hereditary; Tumor predisposition; Hereditary neoplastic syndrome; Hereditary Cancer Syndrome. Identifiers: Orphanet 140162, MedGen C0027672, MeSH D009386, MONDO:0015356.

Submission:

Ambry Genetics
Classification: Uncertain significance for Hereditary cancer-predisposing syndrome. Last evaluated: 2026-07-07. Review status: criteria provided, single submitter. Criteria: Ambry Variant Classification Scheme 2023. Collection method: clinical testing. Allele origin: germline.
Comment: The p.C541Y variant (also known as c.1622G>A), located in coding exon 5 of the AXIN2 gene, results from a G to A substitution at nucleotide position 1622. The cysteine at codon 541 is replaced by tyrosine, an amino acid with highly dissimilar properties. This amino acid position is conserved. In addition, the in silico prediction for this alteration is inconclusive. Based on the available evidence, the clinical significance of this variant remains unclear.

NM_004655.4(AXIN2):c.1622G>A (p.Cys541Tyr)

Gene: AXIN2 (axin 2; minus strand). Cytogenetic location: 17q24.1.
Variant type: single nucleotide variant.
Coding change: c.1622G>A on transcript NM_004655.4 (MANE Select); coding-DNA position 1622, G replaced by A.
Protein change: p.Cys541Tyr; replaces cysteine 541 with tyrosine.
Molecular consequence: missense variant.
Genome position (GRCh38, 1-based): chr17:65,537,414, C>T on the plus strand (G>A on the coding strand, the complement: AXIN2 is on the minus strand). VCF-style: chr17-65537414-C-T. GRCh37 (hg19) VCF-style: chr17-63533532-C-T.
Other names: c.1622G>A, p.Cys541Tyr (NM_001363813.1); short protein forms C541Y.
Identifiers: ClinVar variation 5032600 (VCV005032600.1).